The following is an entry in ClinVar:

ClinVar aggregate classification (germline): Likely pathogenic. Review status: criteria provided, multiple submitters, no conflicts (2 of 4 stars). 2 submissions from 2 submitters: Likely pathogenic (2). Last evaluated 2022-10-06.

Conditions:
Parietal foramina 2 (PFM2). Identifiers: Orphanet 60015, MedGen C1865044, MONDO:0012309, OMIM 609597.

Submissions (2):

Revvity Omics, Revvity
Classification: Likely pathogenic. Last evaluated: 2022-10-06. Review status: criteria provided, single submitter. Criteria: ACMG Guidelines, 2015. Collection method: clinical testing. Allele origin: germline.

Women's Health and Genetics/Laboratory Corporation of America, LabCorp
Classification: Likely pathogenic for Parietal foramina 2. Last evaluated: 2022-05-10. Review status: criteria provided, single submitter. Criteria: LabCorp Variant Classification Summary - May 2015. Collection method: clinical testing. Allele origin: germline.
Comment: Variant summary: ALX4 c.16dupT (p.Cys6LeufsX30) results in a premature termination codon, predicted to cause a truncation of the encoded protein or absence of the protein due to nonsense mediated decay, which are commonly known mechanisms for disease. The variant allele was found at a frequency of 1.4e-05 in 215370 control chromosomes (gnomAD). To our knowledge, no occurrence of c.16dupT in individuals affected with Parietal Foramina 2 and no experimental evidence demonstrating its impact on protein function have been reported. No clinical diagnostic laboratories have submitted clinical-significance assessments for this variant to ClinVar after 2014. Based on the evidence outlined above, the variant was classified as likely pathogenic.

NM_021926.4(ALX4):c.16dup (p.Cys6fs)

Gene: ALX4 (ALX homeobox 4; minus strand). Cytogenetic location: 11p11.2.
Variant type: Duplication.
Coding change: c.16dup on transcript NM_021926.4 (MANE Select); coding-DNA position 16, one base duplicated (T; older notation c.16dupT).
Protein change: p.Cys6fs; shifts the reading frame from cysteine 6.
Molecular consequence: frameshift variant.
Genome position (GRCh38, 1-based): chr11:44,310,047, A duplicated on the plus strand (T on the coding strand, the reverse complement: ALX4 is on the minus strand); the first of 2 consecutive A bases (chr11:44,310,047-44,310,048); duplicating either gives the same sequence. VCF-style (leftmost placement, unchanged base first): chr11-44310046-C-CA. GRCh37 (hg19) VCF-style: chr11-44331596-C-CA.
Other names: short protein forms C6fs.
Identifiers: ClinVar variation 1696378 (VCV001696378.4), dbSNP rs746479735, ClinGen allele CA5955830.
Genomic context (GRCh38, chr11:44,310,046, plus strand): 5'-TGCGACACCGGGCTGTAGTAGGCGTCCATGGCAGCGGCCGGCGACTCGCAGTAAGAGACG[C>CA]AAGTCTCAGCATTCATGCCTGGCTTGCGCAGGCGGCGGGCGGGGACGCGAGCGAGGGCGC-3'